The following is an entry in ClinVar:

ClinVar aggregate classification (germline): Uncertain significance. Review status: criteria provided, multiple submitters, no conflicts (2 of 4 stars). 2 submissions from 2 submitters: Uncertain significance (2). Last evaluated 2021-09-17.

Conditions:
Congenital myasthenic syndrome 4A. Also called: Myasthenic syndrome, congenital, 4a, slow-channel; MYASTHENIC SYNDROME, CONGENITAL, 4A, SLOW-CHANNEL, AUTOSOMAL RECESSIVE; CONGENITAL MYASTHENIC SYNDROME TYPE Ia1. Identifiers: Orphanet 590, MedGen C4225413, MONDO:0011600, OMIM 605809.

Allele frequency attached by ClinVar (database versions not stated): TOPMed below 0.00001; gnomAD 0.00001; gnomAD exomes 0.00003.
gnomAD v4.1: 46 of 1,614,058 alleles (0.0028%); highest among the groups gnomAD compares: Non-Finnish European, 0.0038%; no homozygotes.

Submissions (2):

Labcorp Genetics (formerly Invitae), Labcorp
Classification: Uncertain significance for Congenital myasthenic syndrome 4A. Last evaluated: 2021-09-17. Review status: criteria provided, single submitter. Criteria: Invitae Variant Classification Sherloc (09022015). Collection method: clinical testing. Allele origin: germline.
Comment: This sequence change replaces proline with alanine at codon 101 of the CHRNE protein (p.Pro101Ala). The proline residue is highly conserved and there is a small physicochemical difference between proline and alanine. This variant is not present in population databases (ExAC no frequency). This variant has not been reported in the literature in individuals affected with CHRNE-related conditions. Algorithms developed to predict the effect of missense changes on protein structure and function are either unavailable or do not agree on the potential impact of this missense change (SIFT: "Deleterious"; PolyPhen-2: "Probably Damaging"; Align-GVGD: "Class C0"). In summary, the available evidence is currently insufficient to determine the role of this variant in disease. Therefore, it has been classified as a Variant of Uncertain Significance.

Revvity Omics, Revvity
Classification: Uncertain significance. Last evaluated: 2019-06-26. Review status: criteria provided, single submitter. Criteria: ACMG Guidelines, 2015. Collection method: clinical testing. Allele origin: germline.

NM_000080.4(CHRNE):c.301C>G (p.Pro101Ala)

Genes: CHRNE (cholinergic receptor nicotinic epsilon subunit; minus strand), C17orf107 (chromosome 17 open reading frame 107; plus strand). Cytogenetic location: 17p13.2.
Variant type: single nucleotide variant.
Coding change: c.301C>G on transcript NM_000080.4 (MANE Select); coding-DNA position 301, C replaced by G.
Protein change: p.Pro101Ala; replaces proline 101 with alanine.
Molecular consequence: missense variant. On other transcripts: 3 prime UTR variant (1).
Genome position (GRCh38, 1-based): chr17:4,902,260, G>C on the plus strand (C>G on the coding strand, the complement: CHRNE is on the minus strand). VCF-style: chr17-4902260-G-C. GRCh37 (hg19) VCF-style: chr17-4805555-G-C.
Other names: c.*1727G>C (NM_001145536.2); short protein forms P101A.
Identifiers: ClinVar variation 1896707 (VCV001896707.5), dbSNP rs1440717363, ClinGen allele CA397307047.